The following is an entry in ClinVar:

ClinVar aggregate classification (germline): Likely pathogenic (1 of 4 stars; one submission).

Conditions:
Congenital lipoid adrenal hyperplasia due to STAR deficency. Also called: ADRENAL HYPERPLASIA I; Congenital Lipoid Adrenal Hyperplasia; Lipoid adrenal hyperplasia; Cholesterol monooxygenase (side-chain cleaving) deficiency. Identifiers: Orphanet 418, Orphanet 90790, MedGen C0342474, MONDO:0008725, OMIM 201710.

Submission:

Natera, Inc.
Classification: Likely pathogenic for Congenital lipoid adrenal hyperplasia. Last evaluated: 2024-05-30. Review status: criteria provided, single submitter. Criteria: Natera Variant Classification Schema (03/2026). Collection method: clinical testing. Allele origin: germline.
Comment: The c.659A>G variant in STAR is a missense variant predicted to cause substitution of histidine to arginine at amino acid 220. This variant is rare in the general population with a frequency below the threshold expected for the associated phenotype(s). This variant has been observed in one or more individuals affected with the associated recessive disease, as either homozygous or compound heterozygous with a second variant (PMID: 32068072). Functional studies show that this variant may disrupt protein function (PMID: 32068072). Computational prediction algorithms indicate this variant is likely to affect gene or protein function. Given the available evidence, this variant is classified as Likely Pathogenic.

Literature cited by the submitters: PubMed 32068072.

NM_000349.3(STAR):c.659A>G (p.His220Arg)

Gene: STAR (steroidogenic acute regulatory protein; minus strand). Cytogenetic location: 8p11.23.
Variant type: single nucleotide variant.
Coding change: c.659A>G on transcript NM_000349.3 (MANE Select); coding-DNA position 659, A replaced by G.
Protein change: p.His220Arg; replaces histidine 220 with arginine.
Molecular consequence: missense variant.
Genome position (GRCh38, 1-based): chr8:38,145,307, T>C on the plus strand (A>G on the coding strand, the complement: STAR is on the minus strand). VCF-style: chr8-38145307-T-C. GRCh37 (hg19) VCF-style: chr8-38002825-T-C.
Other names: short protein forms H220R.
Identifiers: ClinVar variation 4818225 (VCV004818225.1).